The following is an entry in ClinVar:

NM_003072.5(SMARCA4):c.964G>C (p.Ala322Pro)

Gene: SMARCA4 (SWI/SNF related BAF chromatin remodeling complex subunit ATPase 4; plus strand). Cytogenetic location: 19p13.2.
Variant type: single nucleotide variant.
Coding change: c.964G>C on transcript NM_003072.5 (MANE Select); coding-DNA position 964, G replaced by C.
Protein change: p.Ala322Pro; replaces alanine 322 with proline.
Molecular consequence: missense variant. On other transcripts: non-coding transcript variant (1).
Genome position (GRCh38, 1-based): chr19:10,987,770, G>C. VCF-style: chr19-10987770-G-C. GRCh37 (hg19) VCF-style: chr19-11098446-G-C.
Other names: c.964G>C, p.Ala322Pro (NM_001128844.3, NM_001128845.2, NM_001128846.2 and 4 more transcripts); short protein forms A322P.
Identifiers: ClinVar variation 823382 (VCV000823382.4), dbSNP rs1060502089, ClinGen allele CA404058537.

ClinVar aggregate classification (germline): Uncertain significance (1 of 4 stars; one submission).

Conditions:
Hereditary cancer-predisposing syndrome. Also called: Tumor predisposition; Hereditary Cancer Syndrome; Neoplastic Syndromes, Hereditary; Hereditary neoplastic syndrome. Identifiers: Orphanet 140162, MedGen C0027672, MeSH D009386, MONDO:0015356.

Submission:

Ambry Genetics
Classification: Uncertain significance for Hereditary cancer-predisposing syndrome. Last evaluated: 2019-06-27. Review status: criteria provided, single submitter. Criteria: Ambry Variant Classification Scheme 2023. Collection method: clinical testing. Allele origin: germline.
Comment: The p.A322P variant (also known as c.964G>C), located in coding exon 5 of the SMARCA4 gene, results from a G to C substitution at nucleotide position 964. The alanine at codon 322 is replaced by proline, an amino acid with highly similar properties. This amino acid position is highly conserved in available vertebrate species. In addition, the in silico prediction for this alteration is inconclusive. Since supporting evidence is limited at this time, the clinical significance of this alteration remains unclear.